The following is an entry in ClinVar:

NM_025179.4(PLXNA2):c.2485G>A (p.Glu829Lys)

Gene: PLXNA2 (plexin A2; minus strand). Cytogenetic location: 1q32.2.
Variant type: single nucleotide variant.
Coding change: c.2485G>A on transcript NM_025179.4 (MANE Select); coding-DNA position 2485, G replaced by A.
Protein change: p.Glu829Lys; replaces glutamic acid 829 with lysine.
Molecular consequence: missense variant.
Genome position (GRCh38, 1-based): chr1:208,079,361, C>T on the plus strand (G>A on the coding strand, the complement: PLXNA2 is on the minus strand). VCF-style: chr1-208079361-C-T. GRCh37 (hg19) VCF-style: chr1-208252706-C-T.
Other names: short protein forms E829K.
Identifiers: ClinVar variation 3307901 (VCV003307901.2).

ClinVar aggregate classification (germline): Uncertain significance. Review status: criteria provided, single submitter (1 of 4 stars). 2 submissions from 2 submitters: Uncertain significance (1). 1 of the submissions does not count toward it. Last evaluated 2024-05-23.

Conditions:
PLXNA2-related disorder. Also called: PLXNA2-related condition.

gnomAD v4.1: 17 of 1,612,638 alleles (0.0011%); highest among the groups gnomAD compares: East Asian, 0.013%; no homozygotes.

Submissions (2):

Ambry Genetics
Classification: Uncertain significance. Last evaluated: 2024-05-23. Review status: criteria provided, single submitter. Criteria: Ambry Variant Classification Scheme 2023. Collection method: clinical testing. Allele origin: germline.

PreventionGenetics, part of Exact Sciences
Classification: Uncertain significance for PLXNA2-related condition. Last evaluated: 2024-05-30. Review status: no assertion criteria provided. Collection method: clinical testing. Allele origin: germline. Not counted in ClinVar's aggregate classification.
Comment: The PLXNA2 c.2485G>A variant is predicted to result in the amino acid substitution p.Glu829Lys. To our knowledge, this variant has not been reported in the literature. This variant is reported in 0.017% of alleles in individuals of East Asian descent in gnomAD. At this time, the clinical significance of this variant is uncertain due to the absence of conclusive functional and genetic evidence.